The following is an entry in ClinVar:

ClinVar aggregate classification (germline): Conflicting classifications of pathogenicity. Review status: criteria provided, conflicting classifications (1 of 4 stars). 2 submissions from 2 submitters: Uncertain significance (1); Likely benign (1). Last evaluated 2023-03-23.

Conditions:
Hereditary breast ovarian cancer syndrome. Also called: BRCA1- and BRCA2-Associated Hereditary Breast and Ovarian Cancer; Hereditary breast and ovarian cancer; Hereditary breast and ovarian cancer syndrome; Breast and ovarian cancer; Hereditary breast and/or ovarian cancer syndrome; Hereditary breast and ovarian cancer syndrome (HBOC). Identifiers: Orphanet 145, MedGen C0677776, MeSH D061325, MONDO:0003582. Disease mechanism: loss of function.
Hereditary cancer-predisposing syndrome. Also called: Tumor predisposition; Hereditary neoplastic syndrome; Neoplastic Syndromes, Hereditary; Hereditary Cancer Syndrome. Identifiers: Orphanet 140162, MedGen C0027672, MeSH D009386, MONDO:0015356.

Submissions (2):

University of Washington Department of Laboratory Medicine, University of Washington
Classification: Likely benign for Hereditary cancer-predisposing syndrome. Last evaluated: 2023-03-23. Review status: criteria provided, single submitter. Criteria: Dines et al. (Genet Med. 2020). Collection method: curation. Allele origin: germline.
Comment: Missense variant in a coldspot region where missense variants are very unlikely to be pathogenic (PMID:31911673).

BRCA2 exon 11 coldspot. Reclassification based on statistical prior probability.

Labcorp Genetics (formerly Invitae), Labcorp
Classification: Uncertain significance for Hereditary breast ovarian cancer syndrome. Last evaluated: 2022-07-19. Review status: criteria provided, single submitter. Criteria: Invitae Variant Classification Sherloc (09022015). Collection method: clinical testing. Allele origin: germline.
Comment: This sequence change replaces histidine, which is basic and polar, with glutamine, which is neutral and polar, at codon 1165 of the BRCA2 protein (p.His1165Gln). This variant is not present in population databases (gnomAD no frequency). This variant has not been reported in the literature in individuals affected with BRCA2-related conditions. ClinVar contains an entry for this variant (Variation ID: 1009410). Advanced modeling of protein sequence and biophysical properties (such as structural, functional, and spatial information, amino acid conservation, physicochemical variation, residue mobility, and thermodynamic stability) performed at Invitae indicates that this missense variant is not expected to disrupt BRCA2 protein function. Algorithms developed to predict the effect of sequence changes on RNA splicing suggest that this variant may create or strengthen a splice site. In summary, the available evidence is currently insufficient to determine the role of this variant in disease. Therefore, it has been classified as a Variant of Uncertain Significance.

NM_000059.4(BRCA2):c.3495T>G (p.His1165Gln)

Gene: BRCA2 (BRCA2 DNA repair associated; plus strand). Cytogenetic location: 13q13.1.
Variant type: single nucleotide variant.
Coding change: c.3495T>G on transcript NM_000059.4 (MANE Select); coding-DNA position 3495, T replaced by G.
Protein change: p.His1165Gln; replaces histidine 1165 with glutamine.
Molecular consequence: missense variant.
Genome position (GRCh38, 1-based): chr13:32,337,850, T>G. VCF-style: chr13-32337850-T-G. GRCh37 (hg19) VCF-style: chr13-32911987-T-G.
Other names: short protein forms H1165Q.
Identifiers: ClinVar variation 1009410 (VCV001009410.11), dbSNP rs776655838, ClinGen allele CA387776924.